The following is an entry in ClinVar:

NM_000180.4(GUCY2D):c.983C>A (p.Ala328Asp)

Gene: GUCY2D (guanylate cyclase 2D, retinal; plus strand). Cytogenetic location: 17p13.1.
Variant type: single nucleotide variant.
Coding change: c.983C>A on transcript NM_000180.4 (MANE Select); coding-DNA position 983, C replaced by A.
Protein change: p.Ala328Asp; replaces alanine 328 with aspartic acid.
Molecular consequence: missense variant.
Genome position (GRCh38, 1-based): chr17:8,004,113, C>A. VCF-style: chr17-8004113-C-A. GRCh37 (hg19) VCF-style: chr17-7907431-C-A.
Other names: short protein forms A328D.
Identifiers: ClinVar variation 2092809 (VCV002092809.4), dbSNP rs56280231, ClinGen allele CA397946286.

ClinVar aggregate classification (germline): Uncertain significance (1 of 4 stars; one submission).

Conditions:
Cone-rod dystrophy 6 (CORD6). Also called: RETINAL CONE DYSTROPHY 2; Cone dystrophy progressive. Identifiers: Orphanet 1872, MedGen C1866293, MONDO:0011143, OMIM 601777.
Leber congenital amaurosis 1 (LCA1). Also called: RETINAL BLINDNESS, CONGENITAL; AMAUROSIS CONGENITA OF LEBER I; Congenital absence of the rods and cones; Leber's congenital tapetoretinal degeneration; Leber's congenital tapetoretinal dysplasia. Identifiers: Orphanet 65, MedGen C2931258, MONDO:0008764, OMIM 204000.

Submission:

Labcorp Genetics (formerly Invitae), Labcorp
Classification: Uncertain significance for Leber congenital amaurosis 1; Cone-rod dystrophy 6. Last evaluated: 2023-12-11. Review status: criteria provided, single submitter. Criteria: Invitae Variant Classification Sherloc (09022015). Collection method: clinical testing. Allele origin: germline.
Comment: This sequence change replaces alanine, which is neutral and non-polar, with aspartic acid, which is acidic and polar, at codon 328 of the GUCY2D protein (p.Ala328Asp). This variant is not present in population databases (gnomAD no frequency). This variant has not been reported in the literature in individuals affected with GUCY2D-related conditions. ClinVar contains an entry for this variant (Variation ID: 2092809). Advanced modeling of protein sequence and biophysical properties (such as structural, functional, and spatial information, amino acid conservation, physicochemical variation, residue mobility, and thermodynamic stability) performed at Invitae indicates that this missense variant is not expected to disrupt GUCY2D protein function with a negative predictive value of 80%. In summary, the available evidence is currently insufficient to determine the role of this variant in disease. Therefore, it has been classified as a Variant of Uncertain Significance.